The following is an entry in ClinVar:

ClinVar aggregate classification (germline): Pathogenic (1 of 4 stars; one submission).

Conditions:
DPM3-congenital disorder of glycosylation (MDDGC15). Also called: CDG Io; CDG1(DPM3); MUSCULAR DYSTROPHY-DYSTROGLYCANOPATHY (LIMB-GIRDLE), TYPE C, 15; DPM3-CDG. Identifiers: Orphanet 263494, MedGen C2752007, MONDO:0013049, OMIM 612937.

Submission:

Labcorp Genetics (formerly Invitae), Labcorp
Classification: Pathogenic for DPM3-congenital disorder of glycosylation. Last evaluated: 2026-02-01. Review status: criteria provided, single submitter. Criteria: Invitae Variant Classification Sherloc (09022015). Collection method: clinical testing. Allele origin: germline.
Comment: This sequence change creates a premature translational stop signal (p.Trp18*) in the DPM3 gene. While this is not anticipated to result in nonsense mediated decay, it is expected to disrupt the last 75 amino acid(s) of the DPM3 protein. This variant is not present in population databases (gnomAD no frequency). This variant has not been reported in the literature in individuals affected with DPM3-related conditions. This variant disrupts a region of the DPM3 protein in which other variant(s) (p.Leu85*) have been determined to be pathogenic (PMID: 31469168). This suggests that this is a clinically significant region of the protein, and that variants that disrupt it are likely to be disease-causing. For these reasons, this variant has been classified as Pathogenic.

Literature cited by the submitters: PubMed 31469168.

NM_153741.2(DPM3):c.54G>A (p.Trp18Ter)

Gene: DPM3 (dolichyl-phosphate mannosyltransferase subunit 3, regulatory; minus strand). Cytogenetic location: 1q22.
Variant type: single nucleotide variant.
Coding change: c.54G>A on transcript NM_153741.2 (MANE Select); coding-DNA position 54, G replaced by A.
Protein change: p.Trp18Ter; replaces tryptophan 18 with a stop codon.
Molecular consequence: nonsense.
Genome position (GRCh38, 1-based): chr1:155,140,187, C>T on the plus strand (G>A on the coding strand, the complement: DPM3 is on the minus strand). VCF-style: chr1-155140187-C-T. GRCh37 (hg19) VCF-style: chr1-155112663-C-T.
Other names: c.144G>A, p.Trp48Ter (NM_018973.4); short protein forms W18*, W48*.
Identifiers: ClinVar variation 4736163 (VCV004736163.1).